The following is an entry in ClinVar:

NM_000092.5(COL4A4):c.1922G>T (p.Arg641Leu)

Gene: COL4A4 (collagen type IV alpha 4 chain; minus strand). Cytogenetic location: 2q36.3.
Variant type: single nucleotide variant.
Coding change: c.1922G>T on transcript NM_000092.5 (MANE Select); coding-DNA position 1922, G replaced by T.
Protein change: p.Arg641Leu; replaces arginine 641 with leucine.
Molecular consequence: missense variant.
Genome position (GRCh38, 1-based): chr2:227,077,959, C>A on the plus strand (G>T on the coding strand, the complement: COL4A4 is on the minus strand). VCF-style: chr2-227077959-C-A. GRCh37 (hg19) VCF-style: chr2-227942675-C-A.
Other names: short protein forms R641L.
Identifiers: ClinVar variation 3693334 (VCV003693334.2).

ClinVar aggregate classification (germline): Uncertain significance (1 of 4 stars; one submission).

Submission:

Labcorp Genetics (formerly Invitae), Labcorp
Classification: Uncertain significance. Last evaluated: 2025-06-29. Review status: criteria provided, single submitter. Criteria: Invitae Variant Classification Sherloc (09022015). Collection method: clinical testing. Allele origin: germline.
Comment: This sequence change replaces arginine, which is basic and polar, with leucine, which is neutral and non-polar, at codon 641 of the COL4A4 protein (p.Arg641Leu). This variant is present in population databases (no rsID available, gnomAD 0.006%). This variant has not been reported in the literature in individuals affected with COL4A4-related conditions. ClinVar contains an entry for this variant (Variation ID: 3693334). Invitae Evidence Modeling of protein sequence and biophysical properties (such as structural, functional, and spatial information, amino acid conservation, physicochemical variation, residue mobility, and thermodynamic stability) indicates that this missense variant is not expected to disrupt COL4A4 protein function with a negative predictive value of 95%. In summary, the available evidence is currently insufficient to determine the role of this variant in disease. Therefore, it has been classified as a Variant of Uncertain Significance.